The following is an entry in ClinVar:

NM_000528.4(MAN2B1):c.292C>T (p.Gln98Ter)

Gene: MAN2B1 (mannosidase alpha class 2B member 1; minus strand). Cytogenetic location: 19p13.13.
Variant type: single nucleotide variant.
Coding change: c.292C>T on transcript NM_000528.4 (MANE Select); coding-DNA position 292, C replaced by T.
Protein change: p.Gln98Ter; replaces glutamine 98 with a stop codon.
Molecular consequence: nonsense.
Genome position (GRCh38, 1-based): chr19:12,665,496, G>A on the plus strand (C>T on the coding strand, the complement: MAN2B1 is on the minus strand). VCF-style: chr19-12665496-G-A. GRCh37 (hg19) VCF-style: chr19-12776310-G-A.
Other names: c.292C>T, p.Gln98Ter (NM_001173498.2); short protein forms Q98*.
Identifiers: ClinVar variation 983676 (VCV000983676.6), dbSNP rs2024210372, ClinGen allele CA404257325.

ClinVar aggregate classification (germline): Pathogenic/Likely pathogenic. Review status: criteria provided, multiple submitters, no conflicts (2 of 4 stars). 2 submissions from 2 submitters: Pathogenic (1); Likely pathogenic (1). Last evaluated 2023-06-25.

Conditions:
Deficiency of alpha-mannosidase (MANSA). Also called: Mannosidosis, alpha-, types I and II; Alpha-Mannosidosis; LYSOSOMAL ALPHA-D-MANNOSIDASE DEFICIENCY. Identifiers: Orphanet 61, MedGen C0024748, MONDO:0009561, OMIM 248500.

gnomAD v4.1: 1 of 1,614,192 alleles (0.000062%); no homozygotes.

Submissions (2):

Labcorp Genetics (formerly Invitae), Labcorp
Classification: Pathogenic for Deficiency of alpha-mannosidase. Last evaluated: 2023-06-25. Review status: criteria provided, single submitter. Criteria: Invitae Variant Classification Sherloc (09022015). Collection method: clinical testing. Allele origin: germline.
Comment: For these reasons, this variant has been classified as Pathogenic. ClinVar contains an entry for this variant (Variation ID: 983676). This variant has not been reported in the literature in individuals affected with MAN2B1-related conditions. This variant is not present in population databases (gnomAD no frequency). This sequence change creates a premature translational stop signal (p.Gln98*) in the MAN2B1 gene. It is expected to result in an absent or disrupted protein product. Loss-of-function variants in MAN2B1 are known to be pathogenic (PMID: 9915946, 22161967).

Myriad Genetics, Inc.
Classification: Likely pathogenic for Deficiency of alpha-mannosidase. Last evaluated: 2019-10-17. Review status: criteria provided, single submitter. Criteria: Myriad Women's Health Autosomal Recessive and X-Linked Classification Criteria (2019). Collection method: clinical testing. Allele origin: unknown.
Comment: NM_000528.3(MAN2B1):c.292C>T(Q98*) is expected to be pathogenic in the context of alpha-mannosidosis. This variant is predicted to lead to an abnormal or absent protein product due to the creation of a premature termination codon in MAN2B1, a gene where loss-of-function variants are known to be pathogenic. Please note: this variant was assessed in the context of healthy population screening.

Literature cited by the submitters: PubMed 9915946 (cited by Labcorp Genetics (formerly Invitae), Labcorp); PubMed 22161967 (cited by Labcorp Genetics (formerly Invitae), Labcorp).